The following is an entry in ClinVar:

ClinVar aggregate classification (germline): Conflicting classifications of pathogenicity. Review status: criteria provided, conflicting classifications (1 of 4 stars). 5 submissions from 5 submitters: Uncertain significance (2); Likely benign (3). Last evaluated 2026-02-02.

Conditions:
Peroxisome biogenesis disorder 12A (Zellweger). Also called: Peroxisome biogenesis disorder 12A. Identifiers: Orphanet 912, MedGen C3554002, MONDO:0013951, OMIM 614886.

Allele frequency attached by ClinVar (database versions not stated): 1000 Genomes Project 30x 0.00016; 1000 Genomes Project 0.00020; gnomAD 0.00033 and 0.00036; ExAC 0.00035; gnomAD exomes 0.00037 and 0.00081; ESP Exome Variant Server 0.00046; TOPMed 0.00049.
gnomAD v4.1: 1,222 of 1,614,128 alleles (0.076%); highest among the groups gnomAD compares: Non-Finnish European, 0.098%; no homozygotes.

Submissions (5):

Labcorp Genetics (formerly Invitae), Labcorp
Classification: Likely benign for Peroxisome biogenesis disorder 12A (Zellweger). Last evaluated: 2026-02-02. Review status: criteria provided, single submitter. Criteria: Invitae Variant Classification Sherloc (09022015). Collection method: clinical testing. Allele origin: germline.

Blueprint Genetics
Classification: Likely benign. Last evaluated: 2024-10-07. Review status: criteria provided, single submitter. Criteria: ACMG Guidelines, 2015. Collection method: clinical testing. Allele origin: germline.

CeGaT Center for Human Genetics Tuebingen
Classification: Likely benign. Last evaluated: 2023-05-01. Review status: criteria provided, single submitter. Criteria: CeGaT Center For Human Genetics Tuebingen Variant Classification Criteria Version 2. Collection method: clinical testing. Allele origin: germline. Affected: yes. Observed: 1 variant allele.
Comment: PEX19: BP4

Illumina Laboratory Services, Illumina
Classification: Uncertain significance for Peroxisome biogenesis disorder 12A (Zellweger). Last evaluated: 2018-01-12. Review status: criteria provided, single submitter. Criteria: ICSL Variant Classification Criteria 13 December 2019. Collection method: clinical testing. Allele origin: germline.

Eurofins Ntd Llc (ga)
Classification: Uncertain significance. Last evaluated: 2017-12-01. Review status: criteria provided, single submitter. Criteria: EGL Classification Definitions 2015. Collection method: clinical testing. Allele origin: germline. Observed: 3 variant alleles, 3 heterozygotes.

NM_002857.4(PEX19):c.402T>C (p.Ser134=)

Gene: PEX19 (peroxisomal biogenesis factor 19; minus strand). Cytogenetic location: 1q23.2.
Variant type: single nucleotide variant.
Coding change: c.402T>C on transcript NM_002857.4 (MANE Select); coding-DNA position 402, T replaced by C.
Protein change: p.Ser134=; no amino-acid change (serine 134 retained).
Molecular consequence: synonymous variant. On other transcripts: non-coding transcript variant (1).
Genome position (GRCh38, 1-based): chr1:160,282,447, A>G on the plus strand (T>C on the coding strand, the complement: PEX19 is on the minus strand). VCF-style: chr1-160282447-A-G. GRCh37 (hg19) VCF-style: chr1-160252237-A-G.
Other names: c.402T>C, p.Ser134= (NM_001193644.1).
Identifiers: ClinVar variation 293230 (VCV000293230.48), dbSNP rs139828188, ClinGen allele CA1197373.